The following is an entry in ClinVar:

NM_005618.4(DLL1):c.1033-22_1033-8del

Gene: DLL1 (delta like canonical Notch ligand 1; minus strand). Cytogenetic location: 6q27.
Variant type: Deletion.
Coding change: c.1033-22_1033-8del on transcript NM_005618.4 (MANE Select); 22 bases into the intron before coding-DNA position 1033 through 8 bases into the intron before coding-DNA position 1033, 15 bases deleted (TTCTGACCTCTCCAT).
Molecular consequence: intron variant.
Genome position (GRCh38, 1-based): chr6:170,285,143-170,285,157, ATGGAGAGGTCAGAA deleted on the plus strand (TTCTGACCTCTCCAT on the coding strand, the reverse complement: DLL1 is on the minus strand); deleting any 15 consecutive bases within chr6:170,285,143-170,285,158 gives the same sequence; the c. name uses the placement nearest the transcript's 3' end. VCF-style (leftmost placement, unchanged base first): chr6-170285142-GATGGAGAGGTCAGAA-G. GRCh37 (hg19) VCF-style: chr6-170594230-GATGGAGAGGTCAGAA-G.
Identifiers: ClinVar variation 2052172 (VCV002052172.4), dbSNP rs2483351030, ClinGen allele CA2580075339.

ClinVar aggregate classification (germline): Pathogenic (1 of 4 stars; one submission).

Submission:

Labcorp Genetics (formerly Invitae), Labcorp
Classification: Pathogenic. Last evaluated: 2022-08-23. Review status: criteria provided, single submitter. Criteria: Invitae Variant Classification Sherloc (09022015). Collection method: clinical testing. Allele origin: germline.
Comment: This sequence change falls in intron 7 of the DLL1 gene. It does not directly change the encoded amino acid sequence of the DLL1 protein. This variant is not present in population databases (gnomAD no frequency). This variant has been observed in individual(s) with clinical features of DLL1-related neurodevelopmental disorder with brain malformations (Invitae). In at least one individual the variant was observed to be de novo. Algorithms developed to predict the effect of sequence changes on RNA splicing suggest that this variant may disrupt the consensus splice site. For these reasons, this variant has been classified as Pathogenic.